The following is an entry in ClinVar:

ClinVar aggregate classification (germline): Uncertain significance (1 of 4 stars; one submission).

Allele frequency attached by ClinVar (database versions not stated): gnomAD exomes below 0.00001.
gnomAD v4.1: 1 of 1,539,718 alleles (0.000065%); highest among the groups gnomAD compares: South Asian, 0.0012%; no homozygotes.

Submission:

Labcorp Genetics (formerly Invitae), Labcorp
Classification: Uncertain significance. Last evaluated: 2025-03-17. Review status: criteria provided, single submitter. Criteria: Invitae Variant Classification Sherloc (09022015). Collection method: clinical testing. Allele origin: germline.
Comment: This sequence change affects codon 2055 of the UNC80 mRNA. It is a 'silent' change, meaning that it does not change the encoded amino acid sequence of the UNC80 protein. This variant also falls at the last nucleotide of exon 40, which is part of the consensus splice site for this exon. This variant is present in population databases (no rsID available, gnomAD 0.004%). This variant has not been reported in the literature in individuals affected with UNC80-related conditions. ClinVar contains an entry for this variant (Variation ID: 2111560). Variants that disrupt the consensus splice site are a relatively common cause of aberrant splicing (PMID: 17576681, 9536098). Algorithms developed to predict the effect of sequence changes on RNA splicing suggest that this variant may disrupt the consensus splice site. In summary, the available evidence is currently insufficient to determine the role of this variant in disease. Therefore, it has been classified as a Variant of Uncertain Significance.

Literature cited by the submitters: PubMed 17576681; PubMed 9536098.

NM_001371986.1(UNC80):c.6363G>A (p.Lys2121=)

Gene: UNC80 (unc-80 subunit of NALCN channel complex; plus strand). Cytogenetic location: 2q34.
Variant type: single nucleotide variant.
Coding change: c.6363G>A on transcript NM_001371986.1 (MANE Select); coding-DNA position 6363, G replaced by A.
Protein change: p.Lys2121=; no amino-acid change (lysine 2121 retained).
Molecular consequence: synonymous variant.
Genome position (GRCh38, 1-based): chr2:209,936,933, G>A. VCF-style: chr2-209936933-G-A. GRCh37 (hg19) VCF-style: chr2-210801657-G-A.
Other names: c.6165G>A, p.Lys2055= (NM_032504.2); c.6150G>A, p.Lys2050= (NM_182587.4).
Identifiers: ClinVar variation 2111560 (VCV002111560.4), dbSNP rs1220915888, ClinGen allele CA431098240.